The following is an entry in ClinVar:

ClinVar aggregate classification (germline): Uncertain significance (1 of 4 stars; one submission).

Submission:

GeneDx
Classification: Uncertain significance. Last evaluated: 2019-07-10. Review status: criteria provided, single submitter. Criteria: GeneDx Variant Classification Process June 2021. Collection method: clinical testing. Allele origin: germline. Affected: yes.
Comment: Not observed in large population cohorts (Lek et al., 2016); In silico analysis, which includes protein predictors and evolutionary conservation, supports a deleterious effect; Has not been previously published as pathogenic or benign to our knowledge

NM_001457.4(FLNB):c.5999G>A (p.Gly2000Asp)

Gene: FLNB (filamin B; plus strand). Cytogenetic location: 3p14.3.
Variant type: single nucleotide variant.
Coding change: c.5999G>A on transcript NM_001457.4 (MANE Select); coding-DNA position 5999, G replaced by A.
Protein change: p.Gly2000Asp; replaces glycine 2000 with aspartic acid.
Molecular consequence: missense variant.
Genome position (GRCh38, 1-based): chr3:58,148,760, G>A. VCF-style: chr3-58148760-G-A. GRCh37 (hg19) VCF-style: chr3-58134487-G-A.
Other names: c.6092G>A, p.Gly2031Asp (NM_001164317.2); c.5966G>A, p.Gly1989Asp (NM_001164318.2); c.5927G>A, p.Gly1976Asp (NM_001164319.2); short protein forms G1976D, G1989D, G2000D, G2031D.
Identifiers: ClinVar variation 1306594 (VCV001306594.2), dbSNP rs2107271493, ClinGen allele CA353356325.